The following is an entry in ClinVar:

NM_015602.4(TOR1AIP1):c.906_907+5del

Gene: TOR1AIP1 (torsin 1A interacting protein 1; plus strand). Cytogenetic location: 1q25.2.
Variant type: Deletion.
Coding change: c.906_907+5del on transcript NM_015602.4 (MANE Select); coding-DNA position 906 through 5 bases into the intron after coding-DNA position 907, 7 bases deleted (AAGTAAG; older notation c.906_907+5delAAGTAAG).
Molecular consequence: splice donor variant.
Genome position (GRCh38, 1-based): chr1:179,908,672-179,908,678, AAGTAAG deleted. VCF-style (leftmost placement, unchanged base first): chr1-179908671-AAAGTAAG-A. GRCh37 (hg19) VCF-style: chr1-179877806-AAAGTAAG-A.
Other names: c.909_910+5delAAGTAAG (NM_001267578.1); c.909_910+5del (NM_001267578.2).
Identifiers: ClinVar variation 643973 (VCV000643973.9), dbSNP rs1571735403, ClinGen allele CA915941913.

ClinVar aggregate classification (germline): Likely pathogenic. Review status: criteria provided, multiple submitters, no conflicts (2 of 4 stars). 2 submissions from 2 submitters: Likely pathogenic (2). Last evaluated 2020-05-26.

Conditions:
TOR1AIP1-related disorder. Also called: TOR1AIP1-related condition.
Autosomal recessive limb-girdle muscular dystrophy type 2Y (MRRSDC). Also called: Muscular dystrophy, limb-girdle, type 2y; Muscular dystrophy, autosomal recessive, with rigid spine and distal joint contractures. Identifiers: Orphanet 424261, MedGen C4511482, MONDO:0014900, OMIM 617072.

Allele frequency attached by ClinVar (database versions not stated): gnomAD exomes below 0.00001; gnomAD 0.00001.

Submissions (2):

Blueprint Genetics
Classification: Likely pathogenic for TOR1AIP1-related disorders. Last evaluated: 2020-05-26. Review status: criteria provided, single submitter. Criteria: ACMG Guidelines, 2015. Collection method: clinical testing. Allele origin: germline. Affected: yes. Observed: 2 variant alleles.

Labcorp Genetics (formerly Invitae), Labcorp
Classification: Likely pathogenic for Autosomal recessive limb-girdle muscular dystrophy type 2Y. Last evaluated: 2019-05-09. Review status: criteria provided, single submitter. Criteria: Invitae Variant Classification Sherloc (09022015). Collection method: clinical testing. Allele origin: germline.
Comment: This variant is a deletion of the genomic region encompassing part of exon 8 (c.909_910+5del) of the TOR1AIP1 gene. It is expected to disrupt RNA splicing and likely results in an absent or disrupted protein product. This variant is not present in population databases (ExAC no frequency). This variant has not been reported in the literature in individuals with TOR1AIP1-related disease. Loss-of-function variants in TOR1AIP1 are known to be pathogenic (PMID: 24856141, 27342937). In summary, the currently available evidence indicates that the variant is pathogenic, but additional data are needed to prove that conclusively. Therefore, this variant has been classified as Likely Pathogenic.

Literature cited by the submitters: PubMed 24856141 (cited by Labcorp Genetics (formerly Invitae), Labcorp); PubMed 27342937 (cited by Labcorp Genetics (formerly Invitae), Labcorp).